The following is an entry in ClinVar:

ClinVar aggregate classification (germline): Likely pathogenic (1 of 4 stars; one submission).

Conditions:
NSD2-related disorder. Also called: NSD2-related condition; NSD2 related disorders.

Submission:

PreventionGenetics, part of Exact Sciences
Classification: Likely pathogenic for NSD2-related condition. Last evaluated: 2023-01-02. Review status: criteria provided, single submitter. Criteria: ACMG Guidelines, 2015. Collection method: clinical testing. Allele origin: germline.
Comment: The NSD2 c.1057delC variant is predicted to result in a frameshift and premature protein termination (p.Leu353Phefs*7). To our knowledge, this variant has not been reported in the literature or in a large population database, indicating this variant is rare. Frameshift variants in NSD2 are expected to be pathogenic. This variant is interpreted as likely pathogenic.

NM_001042424.3(NSD2):c.1057del (p.Leu353fs)

Gene: NSD2 (nuclear receptor binding SET domain protein 2; plus strand). Cytogenetic location: 4p16.3.
Variant type: Deletion.
Coding change: c.1057del on transcript NM_001042424.3 (MANE Select); coding-DNA position 1057, one base deleted (C; older notation c.1057delC).
Protein change: p.Leu353fs; shifts the reading frame from leucine 353.
Molecular consequence: frameshift variant.
Genome position (GRCh38, 1-based): chr4:1,918,270, C deleted. VCF-style (leftmost placement, unchanged base first): chr4-1918269-GC-G. GRCh37 (hg19) VCF-style: chr4-1919996-GC-G.
Other names: c.1057del, p.Leu353fs (NM_007331.2, NM_133330.3, NM_133331.3 and 1 more transcripts); c.1057delC, p.Leu353Phefs (NM_133334.3); short protein forms L353fs.
Identifiers: ClinVar variation 2635244 (VCV002635244.1), dbSNP rs2474340489, ClinGen allele CA2695199354.